The following is an entry in ClinVar:

ClinVar aggregate classification (germline): Uncertain significance. Review status: criteria provided, multiple submitters, no conflicts (2 of 4 stars). 2 submissions from 2 submitters: Uncertain significance (2). Last evaluated 2025-08-26.

Conditions:
Brugada syndrome. Also called: Sudden Unexplained Death Syndrome; Sudden Unexplained Nocturnal Death Syndrome (SUNDS); Sudden unexplained nocturnal death syndrome; Sudden unexpected nocturnal death syndrome. Identifiers: Orphanet 130, MedGen C1142166, MONDO:0015263.

Allele frequency attached by ClinVar (database versions not stated): ExAC 0.00007.

Submissions (2):

Ambry Genetics
Classification: Uncertain significance. Last evaluated: 2025-08-26. Review status: criteria provided, single submitter. Criteria: Ambry Variant Classification Scheme 2023. Collection method: clinical testing. Allele origin: germline.

Labcorp Genetics (formerly Invitae), Labcorp
Classification: Uncertain significance for Brugada syndrome. Last evaluated: 2024-07-16. Review status: criteria provided, single submitter. Criteria: Invitae Variant Classification Sherloc (09022015). Collection method: clinical testing. Allele origin: germline.
Comment: This sequence change replaces glutamic acid, which is acidic and polar, with lysine, which is basic and polar, at codon 405 of the SLMAP protein (p.Glu405Lys). This variant is present in population databases (rs747337211, gnomAD 0.006%). This variant has not been reported in the literature in individuals affected with SLMAP-related conditions. ClinVar contains an entry for this variant (Variation ID: 1489134). An algorithm developed to predict the effect of missense changes on protein structure and function (PolyPhen-2) suggests that this variant is likely to be tolerated. In summary, the available evidence is currently insufficient to determine the role of this variant in disease. Therefore, it has been classified as a Variant of Uncertain Significance.

NM_001377540.1(SLMAP):c.1315G>A (p.Glu439Lys)

Gene: SLMAP (sarcolemma associated protein; plus strand). Cytogenetic location: 3p14.3.
Variant type: single nucleotide variant.
Coding change: c.1315G>A on transcript NM_001377540.1 (MANE Select); coding-DNA position 1315, G replaced by A.
Protein change: p.Glu439Lys; replaces glutamic acid 439 with lysine.
Molecular consequence: missense variant. On other transcripts: 5 prime UTR variant (7), non-coding transcript variant (1).
Genome position (GRCh38, 1-based): chr3:57,890,055, G>A. VCF-style: chr3-57890055-G-A. GRCh37 (hg19) VCF-style: chr3-57875782-G-A.
Other names: c.1213G>A, p.Glu405Lys (NM_001377923.1, NM_007159.5, NM_001377549.1); c.1201G>A, p.Glu401Lys (NM_001377924.1, NM_001377551.1, NM_001377552.1); c.1150G>A, p.Glu384Lys (NM_001377925.1, NM_001304421.2, NM_001377557.1 and 1 more transcripts); c.-135G>A (NM_001377926.1, NM_001377927.1, NM_001377928.1 and 4 more transcripts); c.1264G>A, p.Glu422Lys (NM_001304420.3, NM_001377541.1, NM_001377542.1 and 2 more transcripts); c.1315G>A, p.Glu439Lys (NM_001377538.1, NM_001377539.1, NM_001377555.1); c.1252G>A, p.Glu418Lys (NM_001377545.1, NM_001377922.1); short protein forms E405K, E418K, E401K, E422K, E439K, E384K.
Identifiers: ClinVar variation 1489134 (VCV001489134.10), dbSNP rs747337211, ClinGen allele CA2467096.
Genomic context (GRCh38, chr3:57,890,055, plus strand): 5'-GCTGCTCAGTTTGGGCTTGGATGGTAACGTTTATTTTCCTTGGCAGAGAAGCTGATCGTC[G>A]AAGGGCATCTAACCAAAGCGGTAGAAGAAACAAAGCTTTCAAAAGGTTTGTTTTCTGTTT-3'
Protein context (NP_001364469.1, residues 429-449): FIECQKKLIV[Glu439Lys]GHLTKAVEET